The following is an entry in ClinVar:

NM_006445.4(PRPF8):c.3118A>G (p.Ile1040Val)

Gene: PRPF8 (pre-mRNA processing factor 8; minus strand). Cytogenetic location: 17p13.3.
Variant type: single nucleotide variant.
Coding change: c.3118A>G on transcript NM_006445.4 (MANE Select); coding-DNA position 3118, A replaced by G.
Protein change: p.Ile1040Val; replaces isoleucine 1040 with valine.
Molecular consequence: missense variant.
Genome position (GRCh38, 1-based): chr17:1,674,623, T>C on the plus strand (A>G on the coding strand, the complement: PRPF8 is on the minus strand). VCF-style: chr17-1674623-T-C. GRCh37 (hg19) VCF-style: chr17-1577917-T-C.
Other names: short protein forms I1040V.
Identifiers: ClinVar variation 1369574 (VCV001369574.8), dbSNP rs749932316, ClinGen allele CA8271956.

ClinVar aggregate classification (germline): Uncertain significance (1 of 4 stars; one submission).

Allele frequency attached by ClinVar (database versions not stated): gnomAD exomes 0.00001; TOPMed 0.00001; ExAC 0.00002; gnomAD 0.00002.
gnomAD v4.1: 6 of 1,614,026 alleles (0.00037%); highest among the groups gnomAD compares: Admixed American, 0.005%; no homozygotes.

Submission:

Labcorp Genetics (formerly Invitae), Labcorp
Classification: Uncertain significance. Last evaluated: 2022-12-14. Review status: criteria provided, single submitter. Criteria: Invitae Variant Classification Sherloc (09022015). Collection method: clinical testing. Allele origin: germline.
Comment: ClinVar contains an entry for this variant (Variation ID: 1369574). Advanced modeling of protein sequence and biophysical properties (such as structural, functional, and spatial information, amino acid conservation, physicochemical variation, residue mobility, and thermodynamic stability) performed at Invitae indicates that this missense variant is not expected to disrupt PRPF8 protein function. In summary, the available evidence is currently insufficient to determine the role of this variant in disease. Therefore, it has been classified as a Variant of Uncertain Significance. This sequence change replaces isoleucine, which is neutral and non-polar, with valine, which is neutral and non-polar, at codon 1040 of the PRPF8 protein (p.Ile1040Val). This variant is present in population databases (rs749932316, gnomAD 0.003%). This variant has not been reported in the literature in individuals affected with PRPF8-related conditions.